The following is an entry in ClinVar:

NM_016562.4(TLR7):c.37C>T (p.Leu13Phe)

Gene: TLR7 (toll like receptor 7; plus strand). Cytogenetic location: Xp22.2.
Variant type: single nucleotide variant.
Coding change: c.37C>T on transcript NM_016562.4 (MANE Select); coding-DNA position 37, C replaced by T.
Protein change: p.Leu13Phe; replaces leucine 13 with phenylalanine.
Molecular consequence: missense variant.
Genome position (GRCh38, 1-based): chrX:12,885,545, C>T. VCF-style: chrX-12885545-C-T. GRCh37 (hg19) VCF-style: chrX-12903664-C-T.
Other names: short protein forms L13F.
Identifiers: ClinVar variation 4718765 (VCV004718765.1).

ClinVar aggregate classification (germline): Uncertain significance (1 of 4 stars; one submission).

Submission:

Labcorp Genetics (formerly Invitae), Labcorp
Classification: Uncertain significance. Last evaluated: 2025-05-01. Review status: criteria provided, single submitter. Criteria: Invitae Variant Classification Sherloc (09022015). Collection method: clinical testing. Allele origin: germline.
Comment: This sequence change replaces leucine, which is neutral and non-polar, with phenylalanine, which is neutral and non-polar, at codon 13 of the TLR7 protein (p.Leu13Phe). This variant is not present in population databases (gnomAD no frequency). This variant has not been reported in the literature in individuals affected with TLR7-related conditions. An algorithm developed to predict the effect of missense changes on protein structure and function outputs the following: PolyPhen-2: "Benign". The phenylalanine amino acid residue is found in multiple mammalian species, which suggests that this missense change does not adversely affect protein function. In summary, the available evidence is currently insufficient to determine the role of this variant in disease. Therefore, it has been classified as a Variant of Uncertain Significance.